The following is an entry in ClinVar:

NM_001281775.3(ZMYND8):c.1299G>T (p.Lys433Asn)

Gene: ZMYND8 (zinc finger MYND-type containing 8; minus strand). Cytogenetic location: 20q13.12.
Variant type: single nucleotide variant.
Coding change: c.1299G>T on transcript NM_001281775.3 (MANE Select); coding-DNA position 1299, G replaced by T.
Protein change: p.Lys433Asn; replaces lysine 433 with asparagine.
Molecular consequence: missense variant.
Genome position (GRCh38, 1-based): chr20:47,276,495, C>A on the plus strand (G>T on the coding strand, the complement: ZMYND8 is on the minus strand). VCF-style: chr20-47276495-C-A. GRCh37 (hg19) VCF-style: chr20-45905239-C-A.
Other names: c.1224G>T, p.Lys408Asn (NM_001281771.3, NM_001281777.3, NM_001281778.3 and 4 more transcripts); c.1239G>T, p.Lys413Asn (NM_001281772.3, NM_001281773.3, NM_001281774.3 and 1 more transcripts); c.1299G>T, p.Lys433Asn (NM_001281776.3, NM_001281783.3, NM_012408.6 and 1 more transcripts); c.495G>T, p.Lys165Asn (NM_001281779.3, NM_001281780.3); c.1320G>T, p.Lys440Asn (NM_001363714.1); short protein forms K165N, K408N, K413N, K433N, K440N.
Identifiers: ClinVar variation 3348580 (VCV003348580.1).

ClinVar aggregate classification (germline): Uncertain significance (0 of 4 stars; one submission).

Conditions:
ZMYND8-related disorder. Also called: ZMYND8-related condition.

Submission:

PreventionGenetics, part of Exact Sciences
Classification: Uncertain significance for ZMYND8-related condition. Last evaluated: 2024-03-21. Review status: no assertion criteria provided. Collection method: clinical testing. Allele origin: germline.
Comment: The ZMYND8 c.1320G>T variant is predicted to result in the amino acid substitution p.Lys440Asn. To our knowledge, this variant has not been reported in the literature or in a large population database, indicating this variant is rare. At this time, the clinical significance of this variant is uncertain due to the absence of conclusive functional and genetic evidence.